The following is an entry in ClinVar:

ClinVar aggregate classification (germline): Uncertain significance (1 of 4 stars; one submission).

Submission:

Labcorp Genetics (formerly Invitae), Labcorp
Classification: Uncertain significance. Last evaluated: 2022-06-19. Review status: criteria provided, single submitter. Criteria: Invitae Variant Classification Sherloc (09022015). Collection method: clinical testing. Allele origin: germline.
Comment: In summary, the available evidence is currently insufficient to determine the role of this variant in disease. Therefore, it has been classified as a Variant of Uncertain Significance. Algorithms developed to predict the effect of missense changes on protein structure and function (SIFT, PolyPhen-2, Align-GVGD) all suggest that this variant is likely to be tolerated. This variant has not been reported in the literature in individuals affected with TOP2B-related conditions. This variant is not present in population databases (gnomAD no frequency). This sequence change replaces glutamine, which is neutral and polar, with histidine, which is basic and polar, at codon 560 of the TOP2B protein (p.Gln560His).

NM_001330700.2(TOP2B):c.1695A>C (p.Gln565His)

Gene: TOP2B (DNA topoisomerase II beta; minus strand). Cytogenetic location: 3p24.2.
Variant type: single nucleotide variant.
Coding change: c.1695A>C on transcript NM_001330700.2 (MANE Select); coding-DNA position 1695, A replaced by C.
Protein change: p.Gln565His; replaces glutamine 565 with histidine.
Molecular consequence: missense variant.
Genome position (GRCh38, 1-based): chr3:25,629,140, T>G on the plus strand (A>C on the coding strand, the complement: TOP2B is on the minus strand). VCF-style: chr3-25629140-T-G. GRCh37 (hg19) VCF-style: chr3-25670631-T-G.
Other names: c.1680A>C, p.Gln560His (NM_001068.3); short protein forms Q565H, Q560H.
Identifiers: ClinVar variation 2008403 (VCV002008403.4), dbSNP rs2470350511, ClinGen allele CA351908270.